The following is an entry in ClinVar:

NM_004415.4(DSP):c.4369A>T (p.Met1457Leu)

Gene: DSP (desmoplakin; plus strand). Cytogenetic location: 6p24.3.
Variant type: single nucleotide variant.
Coding change: c.4369A>T on transcript NM_004415.4 (MANE Select); coding-DNA position 4369, A replaced by T.
Protein change: p.Met1457Leu; replaces methionine 1457 with leucine.
Molecular consequence: missense variant. On other transcripts: intron variant (2).
Genome position (GRCh38, 1-based): chr6:7,580,559, A>T. VCF-style: chr6-7580559-A-T. GRCh37 (hg19) VCF-style: chr6-7580792-A-T.
Other names: c.4050+319A>T (NM_001319034.2); c.3582+787A>T (NM_001008844.3); short protein forms M1457L.
Identifiers: ClinVar variation 1988724 (VCV001988724.5), dbSNP rs2533928415, ClinGen allele CA362686159.

ClinVar aggregate classification (germline): Uncertain significance. Review status: criteria provided, multiple submitters, no conflicts (2 of 4 stars). 2 submissions from 2 submitters: Uncertain significance (2). Last evaluated 2022-03-02.

Conditions:
Arrhythmogenic right ventricular dysplasia 8 (ARVD8). Also called: ARRHYTHMOGENIC RIGHT VENTRICULAR DYSPLASIA, FAMILIAL, 8; Arrhythmogenic Right Ventricular Dysplasia/Cardiomyopathy 8; ARRHYTHMOGENIC RIGHT VENTRICULAR CARDIOMYOPATHY 8. Identifiers: MedGen C1843896, MONDO:0011831, OMIM 607450.
Arrhythmogenic cardiomyopathy with wooly hair and keratoderma. Also called: PALMOPLANTAR KERATODERMA WITH LEFT VENTRICULAR CARDIOMYOPATHY AND WOOLLY HAIR; Carvajal syndrome; Arrhythmogenic cardiomyopathy with woolly hair and keratoderma; Dilated cardiomyopathy with woolly hair and keratoderma. Identifiers: Orphanet 65282, MedGen C1854063, MONDO:0011581, OMIM 605676.

Submissions (2):

Labcorp Genetics (formerly Invitae), Labcorp
Classification: Uncertain significance for Arrhythmogenic cardiomyopathy with wooly hair and keratoderma; Arrhythmogenic right ventricular dysplasia 8. Last evaluated: 2022-03-02. Review status: criteria provided, single submitter. Criteria: Invitae Variant Classification Sherloc (09022015). Collection method: clinical testing. Allele origin: germline.
Comment: This sequence change replaces methionine, which is neutral and non-polar, with leucine, which is neutral and non-polar, at codon 1457 of the DSP protein (p.Met1457Leu). In summary, the available evidence is currently insufficient to determine the role of this variant in disease. Therefore, it has been classified as a Variant of Uncertain Significance. Algorithms developed to predict the effect of missense changes on protein structure and function (SIFT, PolyPhen-2, Align-GVGD) all suggest that this variant is likely to be tolerated. This variant has not been reported in the literature in individuals affected with DSP-related conditions. This variant is not present in population databases (gnomAD no frequency).

Victorian Clinical Genetics Services, Murdoch Childrens Research Institute
Classification: Uncertain significance for Arrhythmogenic right ventricular dysplasia 8. Last evaluated: 2021-05-06. Review status: criteria provided, single submitter. Criteria: ACMG Guidelines, 2015. Collection method: clinical testing. Allele origin: germline. Inheritance: Autosomal dominant inheritance.
Comment: Based on the classification scheme VCGS_Germline_v1.3.4, this variant is classified as VUS-3C. Following criteria are met: 0102 - Loss of function is a known mechanism of disease in this gene and is associated with ARVC (MIM#607450) and other DSP-related cardiac disorders. (I) 0108 - This gene is associated with both recessive and dominant disease. Variants in this gene are usually inherited in a dominant manner, however rare reports of recessive inheritance have resulted in a more severe cardiac phenotype (OMIM). (I) 0115 - Variants in this gene are known to have variable expressivity. Age-dependent penetrance and variable expressivity are a well-described aspect of arrhythmogenic cardiomyopathy (PMID: 29062697). (I) 0200 - Variant is predicted to result in a missense amino acid change from methionine to leucine. (I) 0251 - This variant is heterozygous. (I) 0301 - Variant is absent from gnomAD (both v2 and v3). (SP) 0503 - Missense variant consistently predicted to be tolerated by multiple in silico tools or not conserved in placental mammals with a minor amino acid change. (SB) 0604 - Variant is not located in an established domain, motif, hotspot or informative constraint region. (I) 0708 - Another missense variant comparable to the one identified in this case has conflicting previous evidence for pathogenicity. Two alternative nucleotide substitutions, both resulting a change to isoleucine at the same residue, have previously been reported in ClinVar, one as likely benign and the other as a VUS. (I) 0807 - This variant has no previous evidence of pathogenicity. (I) 0905 - No published segregation evidence has been identified for this variant. (I) 1007 - No published functional evidence has been identified for this variant. (I) 1208 - Inheritance information for this variant is not currently available in this individual. (I) Legend: (SP) - Supporting pathogenic, (I) - Information, (SB) - Supporting benign

Literature cited by the submitters: PubMed 29062697 (cited by Victorian Clinical Genetics Services, Murdoch Childrens Research Institute).